The following is an entry in ClinVar:

ClinVar aggregate classification (germline): Likely benign (0 of 4 stars; one submission).

Conditions:
NRP2-related disorder. Also called: NRP2-related condition.

Allele frequency attached by ClinVar (database versions not stated): gnomAD exomes 0.00007; ExAC 0.00017; ESP Exome Variant Server 0.00038; 1000 Genomes Project 0.00040; 1000 Genomes Project 30x 0.00047; TOPMed 0.00052; gnomAD 0.00058.
gnomAD v4.1: 183 of 1,614,256 alleles (0.011%); highest among the groups gnomAD compares: African/African-American, 0.23%; no homozygotes.

Submission:

PreventionGenetics, part of Exact Sciences
Classification: Likely benign for NRP2-related condition. Last evaluated: 2021-09-30. Review status: no assertion criteria provided. Collection method: clinical testing. Allele origin: germline.
Comment: This variant is classified as likely benign based on ACMG/AMP sequence variant interpretation guidelines (Richards et al. 2015 PMID: 25741868, with internal and published modifications).

NM_003872.3(NRP2):c.1455G>A (p.Glu485=)

Gene: NRP2 (neuropilin 2; plus strand). Cytogenetic location: 2q33.3.
Variant type: single nucleotide variant.
Coding change: c.1455G>A on transcript NM_003872.3 (MANE Select); coding-DNA position 1455, G replaced by A.
Protein change: p.Glu485=; no amino-acid change (glutamic acid 485 retained).
Molecular consequence: synonymous variant.
Genome position (GRCh38, 1-based): chr2:205,743,366, G>A. VCF-style: chr2-205743366-G-A. GRCh37 (hg19) VCF-style: chr2-206608090-G-A.
Other names: c.1455G>A, p.Glu485= (NM_018534.4, NM_201264.2, NM_201266.2 and 2 more transcripts).
Identifiers: ClinVar variation 3048363 (VCV003048363.2), dbSNP rs143148436, ClinGen allele CA2069108.